The following is an entry in ClinVar:

NM_033641.4(COL4A6):c.3420A>T (p.Pro1140=)

Gene: COL4A6 (collagen type IV alpha 6 chain; minus strand). Cytogenetic location: Xq22.3.
Variant type: single nucleotide variant.
Coding change: c.3420A>T on transcript NM_033641.4 (MANE Select); coding-DNA position 3420, A replaced by T.
Protein change: p.Pro1140=; no amino-acid change (proline 1140 retained).
Molecular consequence: synonymous variant.
Genome position (GRCh38, 1-based): chrX:108,170,682, T>A on the plus strand (A>T on the coding strand, the complement: COL4A6 is on the minus strand). VCF-style: chrX-108170682-T-A. GRCh37 (hg19) VCF-style: chrX-107413912-T-A.
Other names: c.3471A>T, p.Pro1157= (NM_001287758.2); c.3420A>T, p.Pro1140= (NM_001287759.2, NM_001287760.2); c.3423A>T, p.Pro1141= (NM_001847.4).
Identifiers: ClinVar variation 3031966 (VCV003031966.2), dbSNP rs1225155304, ClinGen allele CA517933982.

ClinVar aggregate classification (germline): Likely benign (0 of 4 stars; one submission).

Conditions:
COL4A6-related disorder. Also called: COL4A6-related condition.

Submission:

PreventionGenetics, part of Exact Sciences
Classification: Likely benign for COL4A6-related condition. Last evaluated: 2024-02-20. Review status: no assertion criteria provided. Collection method: clinical testing. Allele origin: germline.
Comment: This variant is classified as likely benign based on ACMG/AMP sequence variant interpretation guidelines (Richards et al. 2015 PMID: 25741868, with internal and published modifications).